The following is an entry in ClinVar:

ClinVar aggregate classification (germline): Uncertain significance (1 of 4 stars; one submission).

Conditions:
Sandhoff disease. Also called: GM2-GANGLIOSIDOSIS, TYPE II; HEXOSAMINIDASES A AND B DEFICIENCY; Beta-hexosaminidase-beta-subunit deficiency; GM2 gangliosidosis, type 2; Total hexosaminidase deficiency; Sandhoff-Jatzkewitz-Pilz disease. Identifiers: Orphanet 796, MedGen C0036161, MONDO:0010006, OMIM 268800.

Submission:

Labcorp Genetics (formerly Invitae), Labcorp
Classification: Uncertain significance for Sandhoff disease. Last evaluated: 2026-01-14. Review status: criteria provided, single submitter. Criteria: Invitae Variant Classification Sherloc (09022015). Collection method: clinical testing. Allele origin: germline.
Comment: This variant occurs in a non-coding region of the HEXB gene. It does not change the encoded amino acid sequence of the HEXB protein. This variant is not present in population databases (gnomAD no frequency). This variant has not been reported in the literature in individuals affected with HEXB-related conditions. Experimental studies and prediction algorithms are not available or were not evaluated, and the functional significance of this variant is currently unknown. In summary, the available evidence is currently insufficient to determine the role of this variant in disease. Therefore, it has been classified as a Variant of Uncertain Significance.

NM_000521.4(HEXB):c.*5_*17del (p.Ter557=)

Gene: HEXB (hexosaminidase subunit beta; plus strand). Cytogenetic location: 5q13.3.
Variant type: Deletion.
Coding change: c.*5_*17del on transcript NM_000521.4 (MANE Select); 5 bases downstream of the stop codon through 17 bases downstream of the stop codon, 13 bases deleted (TGGAGGGGAAAAA).
Protein change: p.Ter557=.
Molecular consequence: no sequence alteration.
Genome position (GRCh38, 1-based): chr5:74,721,180-74,721,192, TGGAGGGGAAAAA deleted; deleting any 13 consecutive bases within chr5:74,721,175-74,721,192 gives the same sequence; the c. name uses the placement nearest the transcript's 3' end. VCF-style (leftmost placement, unchanged base first): chr5-74721174-AAAAAATGGAGGGG-A. GRCh37 (hg19) VCF-style: chr5-74016999-AAAAAATGGAGGGG-A.
Other names: c.*5_*17del, p.Ter332= (NM_001292004.2).
Identifiers: ClinVar variation 4772569 (VCV004772569.1).